The following is an entry in ClinVar:

ClinVar aggregate classification (germline): Likely pathogenic (1 of 4 stars; one submission).

Submission:

Labcorp Genetics (formerly Invitae), Labcorp
Classification: Likely pathogenic. Last evaluated: 2023-06-09. Review status: criteria provided, single submitter. Criteria: Invitae Variant Classification Sherloc (09022015). Collection method: clinical testing. Allele origin: germline.
Comment: This variant is not present in population databases (gnomAD no frequency). This variant has not been reported in the literature in individuals affected with LAMA3-related conditions. Algorithms developed to predict the effect of sequence changes on RNA splicing suggest that this variant may disrupt the consensus splice site. In summary, the currently available evidence indicates that the variant is pathogenic, but additional data are needed to prove that conclusively. Therefore, this variant has been classified as Likely Pathogenic. This sequence change affects an acceptor splice site in intron 7 of the LAMA3 gene. It is expected to disrupt RNA splicing. Variants that disrupt the donor or acceptor splice site typically lead to a loss of protein function (PMID: 16199547), and loss-of-function variants in LAMA3 are known to be pathogenic (PMID: 10366601, 11810295, 12915477, 16473856, 17362460, 22434185, 23869449, 27827380, 28087116).

Literature cited by the submitters: PubMed 16199547; PubMed 10366601; PubMed 11810295; PubMed 12915477; PubMed 16473856; PubMed 17362460; PubMed 22434185; PubMed 23869449; PubMed 27827380; PubMed 28087116.

NM_198129.4(LAMA3):c.5614-2A>G

Gene: LAMA3 (laminin subunit alpha 3; plus strand). Cytogenetic location: 18q11.2.
Variant type: single nucleotide variant.
Coding change: c.5614-2A>G on transcript NM_198129.4 (MANE Select); the canonical splice acceptor site of the intron before coding-DNA position 5614, A replaced by G.
Molecular consequence: splice acceptor variant.
Genome position (GRCh38, 1-based): chr18:23,898,736, A>G. VCF-style: chr18-23898736-A-G. GRCh37 (hg19) VCF-style: chr18-21478700-A-G.
Other names: c.5614-2A>G (NM_001127717.4); c.787-2A>G (NM_000227.6, NM_001127718.4).
Identifiers: ClinVar variation 2699723 (VCV002699723.3), dbSNP rs2511375455, ClinGen allele CA402046294.